The following is an entry in ClinVar:

ClinVar aggregate classification (germline): Uncertain significance (1 of 4 stars; one submission).

Submission:

GeneDx
Classification: Uncertain significance. Last evaluated: 2025-05-02. Review status: criteria provided, single submitter. Criteria: GeneDx Variant Classification Process June 2021. Collection method: clinical testing. Allele origin: germline.
Comment: Not observed at significant frequency in large population cohorts (gnomAD); In silico analysis supports that this missense variant has a deleterious effect on protein structure/function; Has not been previously published as pathogenic or benign to our knowledge

NM_001162501.2(TNRC6B):c.4243A>C (p.Asn1415His)

Gene: TNRC6B (trinucleotide repeat containing adaptor 6B; plus strand). Cytogenetic location: 22q13.1.
Variant type: single nucleotide variant.
Coding change: c.4243A>C on transcript NM_001162501.2 (MANE Select); coding-DNA position 4243, A replaced by C.
Protein change: p.Asn1415His; replaces asparagine 1415 with histidine.
Molecular consequence: missense variant.
Genome position (GRCh38, 1-based): chr22:40,308,634, A>C. VCF-style: chr22-40308634-A-C. GRCh37 (hg19) VCF-style: chr22-40704638-A-C.
Other names: c.1831A>C, p.Asn611His (NM_001024843.2); c.3913A>C, p.Asn1305His (NM_015088.3); short protein forms N1305H, N1415H, N611H.
Identifiers: ClinVar variation 3361607 (VCV003361607.2).